The following is an entry in ClinVar:

NM_030958.3(SLCO5A1):c.1001T>C (p.Val334Ala)

Gene: SLCO5A1 (solute carrier organic anion transporter family member 5A1; minus strand). Cytogenetic location: 8q13.3.
Variant type: single nucleotide variant.
Coding change: c.1001T>C on transcript NM_030958.3 (MANE Select); coding-DNA position 1001, T replaced by C.
Protein change: p.Val334Ala; replaces valine 334 with alanine.
Molecular consequence: missense variant.
Genome position (GRCh38, 1-based): chr8:69,761,782, A>G on the plus strand (T>C on the coding strand, the complement: SLCO5A1 is on the minus strand). VCF-style: chr8-69761782-A-G. GRCh37 (hg19) VCF-style: chr8-70674017-A-G.
Other names: c.1001T>C, p.Val334Ala (NM_001146008.2, NM_001146009.1); short protein forms V334A.
Identifiers: ClinVar variation 3639729 (VCV003639729.2).
Genomic context (GRCh38, chr8:69,761,782, plus strand): 5'-AAATTAGAAAACAGAACTTACCAGTTTCCAATGAAACGAGGGTCATTCTGGTCAAGGTGA[A>G]CAGGATTTCTGGGATCAACATAAAAACCAATAAGAAGTCCACCTAATAAATATCCCACTG-3'
Protein context (NP_112220.2, residues 324-344): IGFYVDPRNP[Val334Ala]HLDQNDPRFI

ClinVar aggregate classification (germline): Uncertain significance (1 of 4 stars; one submission).

gnomAD v4.1: 496 of 1,614,038 alleles (0.031%); highest among the groups gnomAD compares: East Asian, 1.1%; 3 homozygotes.

Submission:

Labcorp Genetics (formerly Invitae), Labcorp
Classification: Uncertain significance. Last evaluated: 2025-11-01. Review status: criteria provided, single submitter. Criteria: Invitae Variant Classification Sherloc (09022015). Collection method: clinical testing. Allele origin: germline.
Comment: This sequence change replaces valine, which is neutral and non-polar, with alanine, which is neutral and non-polar, at codon 334 of the SLCO5A1 protein (p.Val334Ala). This variant is present in population databases (rs149104030, gnomAD 0.2%), and has an allele count higher than expected for a pathogenic variant. This variant has not been reported in the literature in individuals affected with SLCO5A1-related conditions. ClinVar contains an entry for this variant (Variation ID: 3639729). An algorithm developed to predict the effect of missense changes on protein structure and function (PolyPhen-2) suggests that this variant is likely to be tolerated. In summary, the available evidence is currently insufficient to determine the role of this variant in disease. Therefore, it has been classified as a Variant of Uncertain Significance.